The following is an entry in ClinVar:

NM_014795.4(ZEB2):c.664C>T (p.Arg222Cys)

Gene: ZEB2 (zinc finger E-box binding homeobox 2; minus strand). Cytogenetic location: 2q22.3.
Variant type: single nucleotide variant.
Coding change: c.664C>T on transcript NM_014795.4 (MANE Select); coding-DNA position 664, C replaced by T.
Protein change: p.Arg222Cys; replaces arginine 222 with cysteine.
Molecular consequence: missense variant.
Genome position (GRCh38, 1-based): chr2:144,404,059, G>A on the plus strand (C>T on the coding strand, the complement: ZEB2 is on the minus strand). VCF-style: chr2-144404059-G-A. GRCh37 (hg19) VCF-style: chr2-145161626-G-A.
Other names: p.R222C:CGC>TGC; c.592C>T, p.Arg198Cys (NM_001171653.2); short protein forms R222C, R198C.
Identifiers: ClinVar variation 181728 (VCV000181728.5), dbSNP rs730881189, ClinGen allele CA297587.

ClinVar aggregate classification (germline): Uncertain significance. Review status: criteria provided, multiple submitters, no conflicts (2 of 4 stars). 2 submissions from 2 submitters: Uncertain significance (2). Last evaluated 2023-10-08.

Conditions:
Mowat-Wilson syndrome (MOWS). Also called: Classic Mowat-Wilson Syndrome. Identifiers: Orphanet 2152, MedGen C1856113, MONDO:0009341, OMIM 235730.

Allele frequency attached by ClinVar (database versions not stated): gnomAD exomes below 0.00001.

Submissions (2):

Labcorp Genetics (formerly Invitae), Labcorp
Classification: Uncertain significance for Mowat-Wilson syndrome. Last evaluated: 2023-10-08. Review status: criteria provided, single submitter. Criteria: Invitae Variant Classification Sherloc (09022015). Collection method: clinical testing. Allele origin: germline.
Comment: This sequence change replaces arginine, which is basic and polar, with cysteine, which is neutral and slightly polar, at codon 222 of the ZEB2 protein (p.Arg222Cys). This variant is present in population databases (rs730881189, gnomAD 0.0009%). This variant has not been reported in the literature in individuals affected with ZEB2-related conditions. ClinVar contains an entry for this variant (Variation ID: 181728). Advanced modeling of protein sequence and biophysical properties (such as structural, functional, and spatial information, amino acid conservation, physicochemical variation, residue mobility, and thermodynamic stability) performed at Invitae indicates that this missense variant is expected to disrupt ZEB2 protein function. In summary, the available evidence is currently insufficient to determine the role of this variant in disease. Therefore, it has been classified as a Variant of Uncertain Significance.

GeneDx
Classification: Uncertain significance. Last evaluated: 2013-10-02. Review status: criteria provided, single submitter. Criteria: GeneDx Variant Classification (06012015). Collection method: clinical testing. Allele origin: germline. Affected: yes.
Comment: This variant is denoted as p.Arg222Cys at the protein level, c.664 C>T at the cDNA level and results in the change of an Arginine to a Cysteine (CGC>TGC) in exon 6 of the ZEB2 gene (NM_014795.2). The Arg222Cys missense change has not been published as a mutation, nor has it been reported as a benign polymorphism to our knowledge. It was not observed in approximately 6,500 individuals of European and African American ancestry in the NHLBI Exome Sequencing Project, indicating it is not a common benign variant in these populations. This variant is a non-conservative amino acid substitution of a positively charged Arginine residue with an uncharged Cysteine residue, and the addition of a Cysteine residue, which affects disulfide bonds, may alter the secondary structure of the protein. The variant alters a position in the protein that is conserved across species, and in silico analysis predicts this variant is possibly damaging to the protein structure/function. However, missense mutations in the ZEB2 gene are rare and have been identified in less than 2% of patients with Mowat-Wilson syndrome (Garavelli et al., 2009). Therefore, based on the currently available information, it is unclear whether Arg222Cys is a disease-causing mutation or a rare benign variant. The variant is found in EPILEPSY panel(s).